The following is an entry in ClinVar:

NM_002160.4(TNC):c.1904C>T (p.Thr635Met)

Gene: TNC (tenascin C; minus strand). Cytogenetic location: 9q33.1.
Variant type: single nucleotide variant.
Coding change: c.1904C>T on transcript NM_002160.4 (MANE Select); coding-DNA position 1904, C replaced by T.
Protein change: p.Thr635Met; replaces threonine 635 with methionine.
Molecular consequence: missense variant.
Genome position (GRCh38, 1-based): chr9:115,084,436, G>A on the plus strand (C>T on the coding strand, the complement: TNC is on the minus strand). VCF-style: chr9-115084436-G-A. GRCh37 (hg19) VCF-style: chr9-117846715-G-A.
Other names: c.1904C>T, p.Thr635Met (NM_001410991.1, NM_001439065.1, NM_001439066.1 and 35 more transcripts); short protein forms T635M.
Identifiers: ClinVar variation 4979020 (VCV004979020.1).

ClinVar aggregate classification (germline): Uncertain significance (1 of 4 stars; one submission).

Conditions:
TNC-related disorder. Also called: TNC-related condition.

gnomAD v4.1: 76 of 1,614,034 alleles (0.0047%); highest among the groups gnomAD compares: Middle Eastern, 0.016%; no homozygotes.

Submission:

PreventionGenetics, part of Exact Sciences
Classification: Uncertain significance for TNC-related condition. Last evaluated: 2026-09-01. Review status: criteria provided, single submitter. Criteria: ACMG Guidelines, 2015. Collection method: clinical testing. Allele origin: germline.
Comment: The TNC c.1904C>T variant is predicted to result in the amino acid substitution p.Thr635Met. To our knowledge, this variant has not been reported in the literature. This variant is reported in 0.0079% of alleles in individuals of European (Non-Finnish) descent in gnomAD. At this time, the clinical significance of this variant is uncertain due to the absence of conclusive functional and genetic evidence.